The following is an entry in ClinVar:

ClinVar aggregate classification (germline): Likely benign. Review status: criteria provided, single submitter (1 of 4 stars). 2 submissions from 2 submitters: Likely benign (1). 1 of the submissions does not count toward it. Last evaluated 2024-12-04.

Conditions:
EVC-related disorder. Also called: EVC-related disorders; EVC-related condition.
Curry-Hall syndrome (WAD). Also called: WEYERS ACRODENTAL DYSOSTOSIS. Identifiers: Orphanet 952, MedGen C0457013, MONDO:0008673, OMIM 193530.
Ellis-van Creveld syndrome (EVC). Also called: MESOECTODERMAL DYSPLASIA; Chondroectodermal dysplasia. Identifiers: Orphanet 289, MedGen C0013903, MONDO:0009162, OMIM 225500.

Allele frequency attached by ClinVar (database versions not stated): gnomAD exomes below 0.00001 and 0.00001; gnomAD 0.00001; TOPMed 0.00001.
gnomAD v4.1: 24 of 1,614,114 alleles (0.0015%); highest among the groups gnomAD compares: Admixed American, 0.0033%; 1 homozygote.

Submissions (2):

Labcorp Genetics (formerly Invitae), Labcorp
Classification: Likely benign for Curry-Hall syndrome; Ellis-van Creveld syndrome. Last evaluated: 2024-12-04. Review status: criteria provided, single submitter. Criteria: Invitae Variant Classification Sherloc (09022015). Collection method: clinical testing. Allele origin: germline.

PreventionGenetics, part of Exact Sciences
Classification: Likely benign for EVC-related condition. Last evaluated: 2019-07-09. Review status: no assertion criteria provided. Collection method: clinical testing. Allele origin: germline. Not counted in ClinVar's aggregate classification.
Comment: This variant is classified as likely benign based on ACMG/AMP sequence variant interpretation guidelines (Richards et al. 2015 PMID: 25741868, with internal and published modifications).

NM_153717.3(EVC):c.2376G>A (p.Ala792=)

Gene: EVC (EvC ciliary complex subunit 1; plus strand). Cytogenetic location: 4p16.2.
Variant type: single nucleotide variant.
Coding change: c.2376G>A on transcript NM_153717.3 (MANE Select); coding-DNA position 2376, G replaced by A.
Protein change: p.Ala792=; no amino-acid change (alanine 792 retained).
Molecular consequence: synonymous variant.
Genome position (GRCh38, 1-based): chr4:5,802,021, G>A. VCF-style: chr4-5802021-G-A. GRCh37 (hg19) VCF-style: chr4-5803748-G-A.
Other names: c.2376G>A, p.Ala792= (NM_001306090.2).
Identifiers: ClinVar variation 751597 (VCV000751597.13), dbSNP rs1005244629, ClinGen allele CA91720559.